The following is an entry in ClinVar:

NM_000202.8(IDS):c.1274_1277del (p.Pro425fs)

Gene: IDS (iduronate 2-sulfatase; minus strand). Cytogenetic location: Xq28.
Variant type: Deletion.
Coding change: c.1274_1277del on transcript NM_000202.8 (MANE Select); coding-DNA positions 1274 to 1277, 4 bases deleted (CTTC; older notation c.1274_1277delCTTC).
Protein change: p.Pro425fs; shifts the reading frame from proline 425.
Molecular consequence: frameshift variant.
Genome position (GRCh38, 1-based): chrX:149,483,122-149,483,125, GAAG deleted on the plus strand (CTTC on the coding strand, the reverse complement: IDS is on the minus strand); deleting any 4 consecutive bases within chrX:149,483,122-149,483,128 gives the same sequence; the c. name uses the placement nearest the transcript's 3' end. VCF-style (leftmost placement, unchanged base first): chrX-149483121-TGAAG-T. GRCh37 (hg19) VCF-style: chrX-148564652-TGAAG-T.
Other names: c.1004_1007del, p.Pro335fs (NM_001166550.4); short protein forms P335fs, P425fs.
Identifiers: ClinVar variation 3256012 (VCV003256012.2).
Genomic context (GRCh38, chrX:149,483,121, plus strand): 5'-GTCACGGAATCGAAAATGCTTCAGAAGGTTCTTGCCTTCTCTGCACAGCTCAACGTGAAA[TGAAG>T]GAACGGGGCAGCGAGGTGGAACCTGCAGTCCTGCAAGTCCAGCCAGCGTGGGAAAAAGAG-3'

ClinVar aggregate classification (germline): Pathogenic (1 of 4 stars; one submission).

Conditions:
Mucopolysaccharidosis, MPS-II (MPS2). Also called: Hunter Syndrome; IDURONATE 2-SULFATASE DEFICIENCY; Mucopolysaccharidosis Type II; Mucopolysaccharidosis type 2; Attenuated MPS (subtype; formerly known as mild MPS II); Severe MPS II. Identifiers: Orphanet 580, Orphanet 79388, MedGen C0026705, MONDO:0010674, OMIM 309900.

Submission:

Laboratory of Diagnosis and Therapy of Lysosomal Disorders, University of Padova
Classification: Pathogenic for Mucopolysaccharidosis, MPS-II. Last evaluated: 2024-06-07. Review status: criteria provided, single submitter. Criteria: ACMG Guidelines, 2015. Collection method: literature only. Allele origin: germline. Affected: yes. Observed: 1 variant allele.
Comment: Null variant (PVS1_Strong), Absent from controls (or at low frequency) in gnomAD database (PM2_Moderate), Patient’s phenotype or family history highly specific for the disease (PP4_Strong)

Classification method: ACMG Guidelines [PMID:25741868] with modifications

Literature cited by the submitters: PubMed 27246110.